The following is an entry in ClinVar:

ClinVar aggregate classification (germline): Uncertain significance (1 of 4 stars; one submission).

Conditions:
Hajdu-Cheney syndrome (HJCYS). Also called: Acroosteolysis dominant type; SERPENTINE FIBULA-POLYCYSTIC KIDNEY SYNDROME; ACROOSTEOLYSIS WITH OSTEOPOROSIS AND CHANGES IN SKULL AND MANDIBLE. Identifiers: Orphanet 955, MedGen C0917715, MONDO:0007057, OMIM 102500.

gnomAD v4.1: 4 of 1,612,974 alleles (0.00025%); highest among the groups gnomAD compares: Middle Eastern, 0.033%; no homozygotes.

Submission:

Labcorp Genetics (formerly Invitae), Labcorp
Classification: Uncertain significance for Hajdu-Cheney syndrome. Last evaluated: 2025-03-26. Review status: criteria provided, single submitter. Criteria: Invitae Variant Classification Sherloc (09022015). Collection method: clinical testing. Allele origin: germline.
Comment: This sequence change replaces histidine, which is basic and polar, with arginine, which is basic and polar, at codon 490 of the NOTCH2 protein (p.His490Arg). This variant is present in population databases (rs782400695, gnomAD 0.0009%). This variant has not been reported in the literature in individuals affected with NOTCH2-related conditions. Invitae Evidence Modeling of protein sequence and biophysical properties (such as structural, functional, and spatial information, amino acid conservation, physicochemical variation, residue mobility, and thermodynamic stability) indicates that this missense variant is not expected to disrupt NOTCH2 protein function with a negative predictive value of 80%. In summary, the available evidence is currently insufficient to determine the role of this variant in disease. Therefore, it has been classified as a Variant of Uncertain Significance.

NM_024408.4(NOTCH2):c.1469A>G (p.His490Arg)

Gene: NOTCH2 (notch receptor 2; minus strand). Cytogenetic location: 1p12.
Variant type: single nucleotide variant.
Coding change: c.1469A>G on transcript NM_024408.4 (MANE Select); coding-DNA position 1469, A replaced by G.
Protein change: p.His490Arg; replaces histidine 490 with arginine.
Molecular consequence: missense variant.
Genome position (GRCh38, 1-based): chr1:119,966,474, T>C on the plus strand (A>G on the coding strand, the complement: NOTCH2 is on the minus strand). VCF-style: chr1-119966474-T-C. GRCh37 (hg19) VCF-style: chr1-120509097-T-C.
Other names: c.1469A>G, p.His490Arg (NM_001200001.2); short protein forms H490R.
Identifiers: ClinVar variation 4806487 (VCV004806487.1).